The following is an entry in ClinVar:

NM_003105.6(SORL1):c.5439T>A (p.His1813Gln)

Gene: SORL1 (sortilin related receptor 1; plus strand). Cytogenetic location: 11q24.1.
Variant type: single nucleotide variant.
Coding change: c.5439T>A on transcript NM_003105.6 (MANE Select); coding-DNA position 5439, T replaced by A.
Protein change: p.His1813Gln; replaces histidine 1813 with glutamine.
Molecular consequence: missense variant.
Genome position (GRCh38, 1-based): chr11:121,614,890, T>A. VCF-style: chr11-121614890-T-A. GRCh37 (hg19) VCF-style: chr11-121485599-T-A.
Other names: short protein forms H1813Q.
Identifiers: ClinVar variation 775094 (VCV000775094.37), dbSNP rs62622819, ClinGen allele CA6329964.

ClinVar aggregate classification (germline): Benign. Review status: criteria provided, multiple submitters, no conflicts (2 of 4 stars). 5 submissions from 5 submitters: Benign (3). 2 of the submissions do not count toward it. Last evaluated 2026-01-15.

Allele frequency attached by ClinVar (database versions not stated): 1000 Genomes Project 0.00160; 1000 Genomes Project 30x 0.00172; gnomAD 0.00451 and 0.00480; TOPMed 0.00483; gnomAD exomes 0.00510 and 0.00851; ExAC 0.00537; ESP Exome Variant Server 0.00600.
gnomAD v4.1: 13,010 of 1,613,242 alleles (0.81%); highest among the groups gnomAD compares: Non-Finnish European, 1%; 80 homozygotes.

Submissions (5):

Labcorp Genetics (formerly Invitae), Labcorp
Classification: Benign. Last evaluated: 2026-01-15. Review status: criteria provided, single submitter. Criteria: Invitae Variant Classification Sherloc (09022015). Collection method: clinical testing. Allele origin: germline.

CeGaT Center for Human Genetics Tuebingen
Classification: Benign. Last evaluated: 2022-05-01. Review status: criteria provided, single submitter. Criteria: CeGaT Center For Human Genetics Tuebingen Variant Classification Criteria Version 2. Collection method: clinical testing. Allele origin: germline. Affected: yes. Observed: 1 variant allele.
Comment: SORL1: BP4, BS1, BS2

Breakthrough Genomics
Classification: Benign. Review status: criteria provided, single submitter. Criteria: ACMG Guidelines, 2015. Collection method: not provided. Allele origin: germline. Inheritance: Unknown mechanism. Affected: yes.

Clinical Genetics DNA and cytogenetics Diagnostics Lab, Erasmus MC, Erasmus Medical Center
Classification: Likely benign. Review status: no assertion criteria provided. Collection method: clinical testing. Allele origin: germline. Affected: yes. Study: VKGL Data-share Consensus. Not counted in ClinVar's aggregate classification.

Genome Diagnostics Laboratory, Amsterdam University Medical Center
Classification: Benign. Review status: no assertion criteria provided. Collection method: clinical testing. Allele origin: germline. Affected: yes. Study: VKGL Data-share Consensus. Not counted in ClinVar's aggregate classification.